The following is an entry in ClinVar:

NM_177438.3(DICER1):c.4670A>G (p.Lys1557Arg)

Gene: DICER1 (dicer 1, ribonuclease III; minus strand). Cytogenetic location: 14q32.13.
Variant type: single nucleotide variant.
Coding change: c.4670A>G on transcript NM_177438.3 (MANE Select); coding-DNA position 4670, A replaced by G.
Protein change: p.Lys1557Arg; replaces lysine 1557 with arginine.
Molecular consequence: missense variant. On other transcripts: non-coding transcript variant (6).
Genome position (GRCh38, 1-based): chr14:95,096,250, T>C on the plus strand (A>G on the coding strand, the complement: DICER1 is on the minus strand). VCF-style: chr14-95096250-T-C. GRCh37 (hg19) VCF-style: chr14-95562587-T-C.
Other names: c.4670A>G, p.Lys1557Arg (NM_001195573.1, NM_001271282.3, NM_001291628.2 and 13 more transcripts); c.4388A>G, p.Lys1463Arg (NM_001395686.1); c.4265A>G, p.Lys1422Arg (NM_001395687.1, NM_001395688.1, NM_001395689.1 and 2 more transcripts); c.4103A>G, p.Lys1368Arg (NM_001395691.1); c.2987A>G, p.Lys996Arg (NM_001395697.1); short protein forms K1368R, K1463R, K1557R, K996R, K1422R.
Identifiers: ClinVar variation 2747560 (VCV002747560.4), dbSNP rs2542490498, ClinGen allele CA390867558.

ClinVar aggregate classification (germline): Uncertain significance. Review status: criteria provided, multiple submitters, no conflicts (2 of 4 stars). 2 submissions from 2 submitters: Uncertain significance (2). Last evaluated 2026-04-28.

Conditions:
DICER1-related tumor predisposition. Also called: DICER1 syndrome; DICER1-related pleuropulmonary blastoma cancer predisposition syndrome. Identifiers: Orphanet 284343, MedGen C3839822, MONDO:0100216.
Hereditary cancer-predisposing syndrome. Also called: Tumor predisposition; Hereditary neoplastic syndrome; Neoplastic Syndromes, Hereditary; Hereditary Cancer Syndrome. Identifiers: Orphanet 140162, MedGen C0027672, MeSH D009386, MONDO:0015356.

Submissions (2):

Ambry Genetics
Classification: Uncertain significance for Hereditary cancer-predisposing syndrome. Last evaluated: 2026-04-28. Review status: criteria provided, single submitter. Criteria: Ambry Variant Classification Scheme 2023. Collection method: clinical testing. Allele origin: germline.
Comment: The p.K1557R variant (also known as c.4670A>G), located in coding exon 22 of the DICER1 gene, results from an A to G substitution at nucleotide position 4670. The lysine at codon 1557 is replaced by arginine, an amino acid with highly similar properties. This amino acid position is conserved. In addition, this alteration is predicted to be deleterious by in silico analysis. Based on the available evidence, the clinical significance of this variant remains unclear.

Labcorp Genetics (formerly Invitae), Labcorp
Classification: Uncertain significance for DICER1-related tumor predisposition. Last evaluated: 2024-12-02. Review status: criteria provided, single submitter. Criteria: Invitae Variant Classification Sherloc (09022015). Collection method: clinical testing. Allele origin: germline.
Comment: This sequence change replaces lysine, which is basic and polar, with arginine, which is basic and polar, at codon 1557 of the DICER1 protein (p.Lys1557Arg). This variant is not present in population databases (gnomAD no frequency). This variant has not been reported in the literature in individuals affected with DICER1-related conditions. ClinVar contains an entry for this variant (Variation ID: 2747560). Invitae Evidence Modeling of protein sequence and biophysical properties (such as structural, functional, and spatial information, amino acid conservation, physicochemical variation, residue mobility, and thermodynamic stability) indicates that this missense variant is not expected to disrupt DICER1 protein function with a negative predictive value of 95%. In summary, the available evidence is currently insufficient to determine the role of this variant in disease. Therefore, it has been classified as a Variant of Uncertain Significance.